The following is an entry in ClinVar:

ClinVar aggregate classification (germline): Uncertain significance (1 of 4 stars; one submission).

Submission:

Ambry Genetics
Classification: Uncertain significance. Last evaluated: 2021-12-30. Review status: criteria provided, single submitter. Criteria: Ambry Variant Classification Scheme 2023. Collection method: clinical testing. Allele origin: germline.
Comment: The p.T145I variant (also known as c.434C>T), located in coding exon 5 of the BUB1 gene, results from a C to T substitution at nucleotide position 434. The threonine at codon 145 is replaced by isoleucine, an amino acid with similar properties. This amino acid position is conserved. In addition, this alteration is predicted to be tolerated by in silico analysis. Since supporting evidence is limited at this time, the clinical significance of this alteration remains unclear.

NM_004336.5(BUB1):c.434C>T (p.Thr145Ile)

Gene: BUB1 (BUB1 mitotic checkpoint serine/threonine kinase; minus strand). Cytogenetic location: 2q13.
Variant type: single nucleotide variant.
Coding change: c.434C>T on transcript NM_004336.5 (MANE Select); coding-DNA position 434, C replaced by T.
Protein change: p.Thr145Ile; replaces threonine 145 with isoleucine.
Molecular consequence: missense variant.
Genome position (GRCh38, 1-based): chr2:110,670,557, G>A on the plus strand (C>T on the coding strand, the complement: BUB1 is on the minus strand). VCF-style: chr2-110670557-G-A. GRCh37 (hg19) VCF-style: chr2-111428134-G-A.
Other names: c.374C>T, p.Thr125Ile (NM_001278616.2); c.434C>T, p.Thr145Ile (NM_001278617.2); short protein forms T125I, T145I.
Identifiers: ClinVar variation 1739922 (VCV001739922.2), dbSNP rs2468032775, ClinGen allele CA348219623.